The following is an entry in ClinVar:

ClinVar aggregate classification (germline): Likely pathogenic (1 of 4 stars; one submission).

Conditions:
Congenital adrenal hyperplasia due to cytochrome P450 oxidoreductase deficiency. Also called: DISORDERED STEROIDOGENESIS DUE TO POR DEFICIENCY. Identifiers: Orphanet 95699, MedGen C1860042, MONDO:0013310, OMIM 613571.

Submission:

Labcorp Genetics (formerly Invitae), Labcorp
Classification: Likely pathogenic for Congenital adrenal hyperplasia due to cytochrome P450 oxidoreductase deficiency. Last evaluated: 2023-10-14. Review status: criteria provided, single submitter. Criteria: Invitae Variant Classification Sherloc (09022015). Collection method: clinical testing. Allele origin: germline.
Comment: This sequence change affects a donor splice site in intron 12 of the POR gene. It is expected to disrupt RNA splicing. Variants that disrupt the donor or acceptor splice site typically lead to a loss of protein function (PMID: 16199547), and loss-of-function variants in POR are known to be pathogenic (PMID: 14758361, 20732302, 21741353). This variant is not present in population databases (gnomAD no frequency). This variant has not been reported in the literature in individuals affected with POR-related conditions. Algorithms developed to predict the effect of sequence changes on RNA splicing suggest that this variant may disrupt the consensus splice site. In summary, the currently available evidence indicates that the variant is pathogenic, but additional data are needed to prove that conclusively. Therefore, this variant has been classified as Likely Pathogenic.

Literature cited by the submitters: PubMed 16199547; PubMed 14758361; PubMed 20732302; PubMed 21741353.

NM_001395413.1(POR):c.1389+1G>C

Gene: POR (cytochrome p450 oxidoreductase; plus strand). Cytogenetic location: 7q11.23.
Variant type: single nucleotide variant.
Coding change: c.1389+1G>C on transcript NM_001395413.1 (MANE Select); the canonical splice donor site of the intron after coding-DNA position 1389, G replaced by C.
Molecular consequence: splice donor variant. On other transcripts: intron variant (1).
Genome position (GRCh38, 1-based): chr7:75,985,208, G>C. VCF-style: chr7-75985208-G-C. GRCh37 (hg19) VCF-style: chr7-75614526-G-C.
Other names: c.1239+250G>C (NM_001382662.3); c.1389+1G>C (NM_001382659.3, NM_001367562.3, NM_001382658.3 and 1 more transcripts); c.1443+1G>C (NM_001382655.3).
Identifiers: ClinVar variation 2882068 (VCV002882068.3), dbSNP rs371322093, ClinGen allele CA367749870.